The following is an entry in ClinVar:

ClinVar aggregate classification (germline): Uncertain significance (1 of 4 stars; one submission).

Submission:

GeneDx
Classification: Uncertain significance. Last evaluated: 2023-07-12. Review status: criteria provided, single submitter. Criteria: GeneDx Variant Classification Process June 2021. Collection method: clinical testing. Allele origin: germline. Affected: yes.
Comment: In silico analysis supports that this missense variant has a deleterious effect on protein structure/function; Has not been previously published as pathogenic or benign to our knowledge

NM_001393504.1(MAST3):c.3586C>T (p.Pro1196Ser)

Gene: MAST3 (microtubule associated serine/threonine kinase 3; plus strand). Cytogenetic location: 19p13.11.
Variant type: single nucleotide variant.
Coding change: c.3586C>T on transcript NM_001393504.1 (MANE Select); coding-DNA position 3586, C replaced by T.
Protein change: p.Pro1196Ser; replaces proline 1196 with serine.
Molecular consequence: missense variant.
Genome position (GRCh38, 1-based): chr19:18,149,268, C>T. VCF-style: chr19-18149268-C-T. GRCh37 (hg19) VCF-style: chr19-18260078-C-T.
Other names: c.3610C>T, p.Pro1204Ser (NM_001393501.1); c.3589C>T, p.Pro1197Ser (NM_001393502.1); c.3586C>T, p.Pro1196Ser (NM_001393503.1); c.3556C>T, p.Pro1186Ser (NM_001393505.1); c.3538C>T, p.Pro1180Ser (NM_001393506.1, NM_001393507.1); c.3520C>T, p.Pro1174Ser (NM_001393508.1); c.3517C>T, p.Pro1173Ser (NM_001393509.1, NM_001393510.1); c.3514C>T, p.Pro1172Ser (NM_001393511.1, NM_001393512.1); and 9 more; short protein forms P1149S, P1157S, P1158S, P1163S, P1164S, P1165S, P1166S, P1167S.
Identifiers: ClinVar variation 3360930 (VCV003360930.1).